The following is an entry in ClinVar:

ClinVar aggregate classification (germline): Uncertain significance (1 of 4 stars; one submission).

Conditions:
Hereditary cancer-predisposing syndrome. Also called: Tumor predisposition; Hereditary neoplastic syndrome; Hereditary Cancer Syndrome; Neoplastic Syndromes, Hereditary. Identifiers: Orphanet 140162, MedGen C0027672, MeSH D009386, MONDO:0015356.

Submission:

Ambry Genetics
Classification: Uncertain significance for Hereditary cancer-predisposing syndrome. Last evaluated: 2025-05-16. Review status: criteria provided, single submitter. Criteria: Ambry Variant Classification Scheme 2023. Collection method: clinical testing. Allele origin: germline.
Comment: The p.Q1419K variant (also known as c.4255C>A), located in coding exon 33 of the TSC2 gene, results from a C to A substitution at nucleotide position 4255. The glutamine at codon 1419 is replaced by lysine, an amino acid with similar properties. This amino acid position is conserved. In addition, the in silico prediction for this alteration is inconclusive. Based on the available evidence, the clinical significance of this variant remains unclear.

NM_000548.5(TSC2):c.4255C>A (p.Gln1419Lys)

Gene: TSC2 (TSC complex subunit 2; plus strand). Cytogenetic location: 16p13.3.
Variant type: single nucleotide variant.
Coding change: c.4255C>A on transcript NM_000548.5 (MANE Select); coding-DNA position 4255, C replaced by A.
Protein change: p.Gln1419Lys; replaces glutamine 1419 with lysine.
Molecular consequence: missense variant. On other transcripts: non-coding transcript variant (5).
Genome position (GRCh38, 1-based): chr16:2,084,477, C>A. VCF-style: chr16-2084477-C-A. GRCh37 (hg19) VCF-style: chr16-2134478-C-A.
Other names: c.2779C>A, p.Gln927Lys (NM_001406691.1); c.2713C>A, p.Gln905Lys (NM_001406692.1, NM_001406693.1, NM_001406694.1); c.2710C>A, p.Gln904Lys (NM_001406695.1, NM_001406696.1, NM_001406697.1); c.2452C>A, p.Gln818Lys (NM_001406698.1); c.4126C>A, p.Gln1376Lys (NM_021055.3, NM_001370405.1); c.3523C>A, p.Gln1175Lys (NM_001318831.2); c.4087C>A, p.Gln1363Lys (NM_001318832.2); c.4057C>A, p.Gln1353Lys (NM_001363528.2); and 26 more; short protein forms Q1352K, Q1353K, Q1376K, Q1153K, Q1219K, Q1303K, Q1333K, Q1346K.
Identifiers: ClinVar variation 3974679 (VCV003974679.1).